The following is an entry in ClinVar:

NM_021926.4(ALX4):c.254del (p.Gly85fs)

Gene: ALX4 (ALX homeobox 4; minus strand). Cytogenetic location: 11p11.2.
Variant type: Deletion.
Coding change: c.254del on transcript NM_021926.4 (MANE Select); coding-DNA position 254, one base deleted (G; older notation c.254delG).
Protein change: p.Gly85fs; shifts the reading frame from glycine 85.
Molecular consequence: frameshift variant.
Genome position (GRCh38, 1-based): chr11:44,309,809, C deleted on the plus strand (G on the coding strand, the reverse complement: ALX4 is on the minus strand); the first of 4 consecutive C bases (chr11:44,309,809-44,309,812); deleting any one gives the same sequence. VCF-style (leftmost placement, unchanged base first): chr11-44309808-GC-G. GRCh37 (hg19) VCF-style: chr11-44331358-GC-G.
Other names: c.254del, p.Gly85fs (LRG_1256t1); short protein forms G85fs.
Identifiers: ClinVar variation 422693 (VCV000422693.5), dbSNP rs1064795941, ClinGen allele CA16619324.

ClinVar aggregate classification (germline): Pathogenic/Likely pathogenic. Review status: criteria provided, multiple submitters, no conflicts (2 of 4 stars). 2 submissions from 2 submitters: Pathogenic (1); Likely pathogenic (1). Last evaluated 2023-10-29.

Submissions (2):

Labcorp Genetics (formerly Invitae), Labcorp
Classification: Pathogenic. Last evaluated: 2023-10-29. Review status: criteria provided, single submitter. Criteria: Invitae Variant Classification Sherloc (09022015). Collection method: clinical testing. Allele origin: germline.
Comment: This sequence change creates a premature translational stop signal (p.Gly85Alafs*96) in the ALX4 gene. It is expected to result in an absent or disrupted protein product. Loss-of-function variants in ALX4 are known to be pathogenic (PMID: 11137991, 24668755, 25963140). This variant is not present in population databases (gnomAD no frequency). This variant has not been reported in the literature in individuals affected with ALX4-related conditions. ClinVar contains an entry for this variant (Variation ID: 422693). For these reasons, this variant has been classified as Pathogenic.

GeneDx
Classification: Likely pathogenic. Last evaluated: 2016-11-03. Review status: criteria provided, single submitter. Criteria: GeneDx Variant Classification (06012015). Collection method: clinical testing. Allele origin: germline. Affected: yes.
Comment: The c.254delG variant in the ALX4 gene has not been reported previously as a pathogenic variant nor as a benign variant, to our knowledge. The c.254delG variant causes a frameshift starting with codon Glycine 85, changes this amino acid to an Alanine residue, and creates a premature Stop codon at position 96 of the new reading frame, denoted p.Gly85AlafsX96. This variant is predicted to cause loss of normal protein function either through protein truncation or nonsense-mediated mRNA decay. The c.254delG variant was not observed in approximately 5900 individuals of European and African American ancestry in the NHLBI Exome Sequencing Project, indicating it is not a common benign variant in these populations. We interpret c.254delG as a likely pathogenic variant.

Literature cited by the submitters: PubMed 11137991 (cited by Labcorp Genetics (formerly Invitae), Labcorp); PubMed 24668755 (cited by Labcorp Genetics (formerly Invitae), Labcorp); PubMed 25963140 (cited by Labcorp Genetics (formerly Invitae), Labcorp).